The following is an entry in ClinVar:

ClinVar aggregate classification (germline): Uncertain significance (1 of 4 stars; one submission).

Submission:

GeneDx
Classification: Uncertain significance. Last evaluated: 2026-10-12. Review status: criteria provided, single submitter. Criteria: GeneDx Variant Classification Process June 2021. Collection method: clinical testing. Allele origin: germline.
Comment: Not observed at significant frequency in large population cohorts (gnomAD); In silico analysis supports that this missense variant has a deleterious effect on protein structure/function; Has not been previously published as pathogenic or benign to our knowledge

NM_020928.2(ZSWIM6):c.3193A>G (p.Thr1065Ala)

Gene: ZSWIM6 (zinc finger SWIM-type containing 6; plus strand). Cytogenetic location: 5q12.1.
Variant type: single nucleotide variant.
Coding change: c.3193A>G on transcript NM_020928.2 (MANE Select); coding-DNA position 3193, A replaced by G.
Protein change: p.Thr1065Ala; replaces threonine 1065 with alanine.
Molecular consequence: missense variant.
Genome position (GRCh38, 1-based): chr5:61,543,862, A>G. VCF-style: chr5-61543862-A-G. GRCh37 (hg19) VCF-style: chr5-60839689-A-G.
Other names: short protein forms T1065A.
Identifiers: ClinVar variation 3899669 (VCV003899669.2).